The following is an entry in ClinVar:

NM_024741.3(ZNF408):c.1111C>G (p.His371Asp)

Gene: ZNF408 (zinc finger protein 408; plus strand). Cytogenetic location: 11p11.2.
Variant type: single nucleotide variant.
Coding change: c.1111C>G on transcript NM_024741.3 (MANE Select); coding-DNA position 1111, C replaced by G.
Protein change: p.His371Asp; replaces histidine 371 with aspartic acid.
Molecular consequence: missense variant.
Genome position (GRCh38, 1-based): chr11:46,704,811, C>G. VCF-style: chr11-46704811-C-G. GRCh37 (hg19) VCF-style: chr11-46726361-C-G.
Other names: c.1087C>G, p.His363Asp (NM_001184751.2); short protein forms H371D, H363D.
Identifiers: ClinVar variation 2102150 (VCV002102150.4), dbSNP rs776195593, ClinGen allele CA5966499.

ClinVar aggregate classification (germline): Uncertain significance (1 of 4 stars; one submission).

gnomAD v4.1: 1 of 1,599,862 alleles (0.000063%); highest among the groups gnomAD compares: Admixed American, 0.0017%; no homozygotes.

Submission:

Labcorp Genetics (formerly Invitae), Labcorp
Classification: Uncertain significance. Last evaluated: 2023-12-11. Review status: criteria provided, single submitter. Criteria: Invitae Variant Classification Sherloc (09022015). Collection method: clinical testing. Allele origin: germline.
Comment: This sequence change replaces histidine, which is basic and polar, with aspartic acid, which is acidic and polar, at codon 371 of the ZNF408 protein (p.His371Asp). This variant is present in population databases (rs776195593, gnomAD 0.003%). This variant has not been reported in the literature in individuals affected with ZNF408-related conditions. ClinVar contains an entry for this variant (Variation ID: 2102150). An algorithm developed to predict the effect of missense changes on protein structure and function (PolyPhen-2) suggests that this variant is likely to be disruptive. In summary, the available evidence is currently insufficient to determine the role of this variant in disease. Therefore, it has been classified as a Variant of Uncertain Significance.